The following is an entry in ClinVar:

NM_031407.7(HUWE1):c.8651G>A (p.Arg2884Lys)

Gene: HUWE1 (HECT, UBA and WWE domain containing E3 ubiquitin protein ligase 1; minus strand). Cytogenetic location: Xp11.22.
Variant type: single nucleotide variant.
Coding change: c.8651G>A on transcript NM_031407.7 (MANE Select); coding-DNA position 8651, G replaced by A.
Protein change: p.Arg2884Lys; replaces arginine 2884 with lysine.
Molecular consequence: missense variant.
Genome position (GRCh38, 1-based): chrX:53,552,737, C>T on the plus strand (G>A on the coding strand, the complement: HUWE1 is on the minus strand). VCF-style: chrX-53552737-C-T. GRCh37 (hg19) VCF-style: chrX-53579698-C-T.
Other names: short protein forms R2884K.
Identifiers: ClinVar variation 4056964 (VCV004056964.1).

ClinVar aggregate classification (germline): Uncertain significance (1 of 4 stars; one submission).

Submission:

GeneDx
Classification: Uncertain significance. Last evaluated: 2025-01-07. Review status: criteria provided, single submitter. Criteria: GeneDx Variant Classification Process June 2021. Collection method: clinical testing. Allele origin: germline. Affected: yes.
Comment: Not observed at significant frequency in large population cohorts (gnomAD); In silico analysis indicates that this missense variant does not alter protein structure/function; Has not been previously published as pathogenic or benign to our knowledge